The following is an entry in ClinVar:

NM_000257.4(MYH7):c.2201dup (p.Phe735fs)

Gene: MYH7 (myosin heavy chain 7; minus strand). Cytogenetic location: 14q11.2.
Variant type: Duplication.
Coding change: c.2201dup on transcript NM_000257.4 (MANE Select); coding-DNA position 2201, one base duplicated (A; older notation c.2201dupA).
Protein change: p.Phe735fs; shifts the reading frame from phenylalanine 735.
Molecular consequence: frameshift variant.
Genome position (GRCh38, 1-based): chr14:23,425,780, T duplicated on the plus strand (A on the coding strand, the reverse complement: MYH7 is on the minus strand). VCF-style (leftmost placement, unchanged base first): chr14-23425779-C-CT. GRCh37 (hg19) VCF-style: chr14-23894988-C-CT.
Other names: c.2201dupA (NM_000257.4); short protein forms F735fs.
Identifiers: ClinVar variation 659211 (VCV000659211.11), dbSNP rs1595083518, ClinGen allele CA915947000.
Genomic context (GRCh38, chr14:23,425,779, plus strand): 5'-GTTGTGATCAATGTCCAGGGAGCTGAGCAGCTTCTCTGCCCCCTTCCTGCTATCAATGAA[C>CT]TGTCCCTCAGGGATGGCCGCTGGGTTCAGGATGCGATACCTGAGGAGGGAAGTGTCCAGA-3'

ClinVar aggregate classification (germline): Uncertain significance. Review status: criteria provided, multiple submitters, no conflicts (2 of 4 stars). 2 submissions from 2 submitters: Uncertain significance (2). Last evaluated 2024-12-03.

Conditions:
Hypertrophic cardiomyopathy. Also called: HYPERTROPHIC MYOCARDIOPATHY. Identifiers: Orphanet 217569, MedGen C0007194, MeSH D002312, MONDO:0005045, HP:0001639.
Cardiovascular phenotype. Identifiers: MedGen CN230736.

Allele frequency attached by ClinVar (database versions not stated): TOPMed 0.00001.

Submissions (2):

Ambry Genetics
Classification: Uncertain significance for Cardiovascular phenotype. Last evaluated: 2024-12-03. Review status: criteria provided, single submitter. Criteria: Ambry Variant Classification Scheme 2023. Collection method: clinical testing. Allele origin: germline.
Comment: The c.2201dupA variant, located in coding exon 18 of the MYH7 gene, results from a duplication of A at nucleotide position 2201, causing a translational frameshift with a predicted alternate stop codon (p.F735Vfs*3). This variant has been reported in an individual in a dilated cardiomyopathy cohort, but clinical details were limited (Hazebroek MR et al. J Am Coll Cardiol, 2015 Sep;66:1313-23). This alteration is expected to result in protein truncation or nonsense-mediated mRNA decay. However, loss of function of MYH7 has not been established as a mechanism of disease. Based on the available evidence, the clinical significance of this alteration remains unclear.

Labcorp Genetics (formerly Invitae), Labcorp
Classification: Uncertain significance for Hypertrophic cardiomyopathy. Last evaluated: 2022-11-08. Review status: criteria provided, single submitter. Criteria: Invitae Variant Classification Sherloc (09022015). Collection method: clinical testing. Allele origin: germline.
Comment: In summary, the available evidence is currently insufficient to determine the role of this variant in disease. Therefore, it has been classified as a Variant of Uncertain Significance. ClinVar contains an entry for this variant (Variation ID: 659211). This premature translational stop signal has been observed in individual(s) with dilated cardiomyopathy (PMID: 26383716, 32880476). This variant is not present in population databases (gnomAD no frequency). This sequence change creates a premature translational stop signal (p.Phe735Valfs*3) in the MYH7 gene. It is expected to result in an absent or disrupted protein product. However, the current clinical and genetic evidence is not sufficient to establish whether loss-of-function variants in MYH7 cause disease.

Literature cited by the submitters: PubMed 26383716 (cited by Ambry Genetics and Labcorp Genetics (formerly Invitae), Labcorp); PubMed 32880476 (cited by Labcorp Genetics (formerly Invitae), Labcorp).